The following is an entry in ClinVar:

NM_005060.4(RORC):c.737A>C (p.Gln246Pro)

Gene: RORC (RAR related orphan receptor C; minus strand). Cytogenetic location: 1q21.3.
Variant type: single nucleotide variant.
Coding change: c.737A>C on transcript NM_005060.4 (MANE Select); coding-DNA position 737, A replaced by C.
Protein change: p.Gln246Pro; replaces glutamine 246 with proline.
Molecular consequence: missense variant.
Genome position (GRCh38, 1-based): chr1:151,814,987, T>G on the plus strand (A>C on the coding strand, the complement: RORC is on the minus strand). VCF-style: chr1-151814987-T-G. GRCh37 (hg19) VCF-style: chr1-151787463-T-G.
Other names: c.674A>C, p.Gln225Pro (NM_001001523.2); short protein forms Q225P, Q246P.
Identifiers: ClinVar variation 851936 (VCV000851936.8), dbSNP rs199793998, ClinGen allele CA1095866.

ClinVar aggregate classification (germline): Uncertain significance. Review status: criteria provided, multiple submitters, no conflicts (2 of 4 stars). 2 submissions from 2 submitters: Uncertain significance (2). Last evaluated 2024-10-01.

Conditions:
Autosomal recessive mendelian susceptibility to mycobacterial diseases due to complete RORgamma receptor deficiency. Also called: Immunodeficiency 42. Identifiers: Orphanet 477857, MedGen C5567647, MONDO:0014710, OMIM 616622.
Inborn genetic diseases. Identifiers: MedGen C0950123, MeSH D030342.

Allele frequency attached by ClinVar (database versions not stated): gnomAD exomes 0.00005; ExAC 0.00006; gnomAD 0.00008 and 0.00009; TOPMed 0.00013.
gnomAD v4.1: 65 of 1,613,314 alleles (0.004%); highest among the groups gnomAD compares: Admixed American, 0.02%; no homozygotes.

Submissions (2):

Ambry Genetics
Classification: Uncertain significance for Inborn genetic diseases. Last evaluated: 2024-10-01. Review status: criteria provided, single submitter. Criteria: Ambry Variant Classification Scheme 2023. Collection method: clinical testing. Allele origin: germline.

Labcorp Genetics (formerly Invitae), Labcorp
Classification: Uncertain significance for Autosomal recessive mendelian susceptibility to mycobacterial diseases due to complete RORgamma receptor deficiency. Last evaluated: 2022-02-10. Review status: criteria provided, single submitter. Criteria: Invitae Variant Classification Sherloc (09022015). Collection method: clinical testing. Allele origin: germline.
Comment: This sequence change replaces glutamine, which is neutral and polar, with proline, which is neutral and non-polar, at codon 246 of the RORC protein (p.Gln246Pro). This variant is present in population databases (rs199793998, gnomAD 0.02%). This variant has not been reported in the literature in individuals affected with RORC-related conditions. ClinVar contains an entry for this variant (Variation ID: 851936). Algorithms developed to predict the effect of missense changes on protein structure and function (SIFT, PolyPhen-2, Align-GVGD) all suggest that this variant is likely to be tolerated. In summary, the available evidence is currently insufficient to determine the role of this variant in disease. Therefore, it has been classified as a Variant of Uncertain Significance.